The following is an entry in ClinVar:

NM_031476.4(CRISPLD2):c.915-5G>A

Gene: CRISPLD2 (cysteine rich secretory protein LCCL domain containing 2; plus strand). Cytogenetic location: 16q24.1.
Variant type: single nucleotide variant.
Coding change: c.915-5G>A on transcript NM_031476.4 (MANE Select); 5 bases into the intron before coding-DNA position 915, G replaced by A.
Molecular consequence: intron variant.
Genome position (GRCh38, 1-based): chr16:84,872,437, G>A. VCF-style: chr16-84872437-G-A. GRCh37 (hg19) VCF-style: chr16-84906043-G-A.
Identifiers: ClinVar variation 3036636 (VCV003036636.2), dbSNP rs544311455, ClinGen allele CA8211808.

ClinVar aggregate classification (germline): Likely benign (0 of 4 stars; one submission).

Conditions:
CRISPLD2-related disorder. Also called: CRISPLD2-related condition.

Allele frequency attached by ClinVar (database versions not stated): ExAC 0.00004; gnomAD 0.00005; 1000 Genomes Project 30x 0.00016; 1000 Genomes Project 0.00020.
gnomAD v4.1: 46 of 1,612,702 alleles (0.0029%); highest among the groups gnomAD compares: East Asian, 0.018%; no homozygotes.

Submission:

PreventionGenetics, part of Exact Sciences
Classification: Likely benign for CRISPLD2-related condition. Last evaluated: 2020-06-25. Review status: no assertion criteria provided. Collection method: clinical testing. Allele origin: germline.
Comment: This variant is classified as likely benign based on ACMG/AMP sequence variant interpretation guidelines (Richards et al. 2015 PMID: 25741868, with internal and published modifications).